The following is an entry in ClinVar:

NM_000230.3(LEP):c.175G>A (p.Gly59Ser)

Gene: LEP (leptin; plus strand). Cytogenetic location: 7q32.1.
Variant type: single nucleotide variant.
Coding change: c.175G>A on transcript NM_000230.3 (MANE Select); coding-DNA position 175, G replaced by A.
Protein change: p.Gly59Ser; replaces glycine 59 with serine.
Molecular consequence: missense variant.
Genome position (GRCh38, 1-based): chr7:128,254,434, G>A. VCF-style: chr7-128254434-G-A. GRCh37 (hg19) VCF-style: chr7-127894487-G-A.
Other names: c.175G>A (NM_000230.2); short protein forms G59S.
Identifiers: ClinVar variation 2428497 (VCV002428497.7), dbSNP rs200575914, ClinGen allele CA166745178.
Genomic context (GRCh38, chr7:128,254,434, plus strand): 5'-GCACTTGTTCTCCCTCTTCCTCCTGCATAGCAGTCAGTCTCCTCCAAACAGAAAGTCACC[G>A]GTTTGGACTTCATTCCTGGGCTCCACCCCATCCTGACCTTATCCAAGATGGACCAGACAC-3'
Protein context (NP_000221.1, residues 49-69): QSVSSKQKVT[Gly59Ser]LDFIPGLHPI

ClinVar aggregate classification (germline): Conflicting classifications of pathogenicity. Review status: criteria provided, conflicting classifications (1 of 4 stars). 3 submissions from 3 submitters: Pathogenic (1); Uncertain significance (1). 1 of the submissions does not count toward it. Last evaluated 2026-09-16.

Conditions:
Leptin dysfunction. Identifiers: MedGen C4016279.
LEP-related disorder. Also called: LEP-related condition.
Obesity due to congenital leptin deficiency. Also called: Leptin deficiency or dysfunction. Identifiers: Orphanet 66628, MedGen C3554224, MONDO:0013991, OMIM 614962.

Allele frequency attached by ClinVar (database versions not stated): TOPMed below 0.00001; gnomAD 0.00001; gnomAD exomes 0.00001.
gnomAD v4.1: 11 of 1,613,670 alleles (0.00068%); highest among the groups gnomAD compares: African/African-American, 0.0027%; no homozygotes.

Submissions (3):

PreventionGenetics, part of Exact Sciences
Classification: Uncertain significance for LEP-related condition. Last evaluated: 2026-09-16. Review status: criteria provided, single submitter. Criteria: ACMG Guidelines, 2015. Collection method: clinical testing. Allele origin: germline.
Comment: The LEP c.175G>A variant is predicted to result in the amino acid substitution p.Gly59Ser. This variant has been documented in the homozygous state in an individual with hyperphagia, severe obesity, and high circulating leptin levels (Patient B in Funcke et al. 2023. PubMed ID: 37314706). Functional studies indicate that this variant impairs leptin signaling (Funcke et al. 2023. PubMed ID: 37314706; Baird et al. 2024. PubMed ID: 39002670). This variant is reported in 0.00088% of alleles in individuals of European (Non-Finnish) descent in gnomAD.Although we suspect that this variant may be pathogenic, at this time, the clinical significance of this variant is uncertain due to the absence of conclusive functional and genetic evidence.

Division of Pediatric Endocrinology and Diabetes, Ulm University Medical Center
Classification: Pathogenic for Obesity due to congenital leptin deficiency. Last evaluated: 2023-01-25. Review status: criteria provided, single submitter. Criteria: ACMG Guidelines, 2015. Collection method: clinical testing, in vitro. Allele origin: inherited, not applicable. Inheritance: Autosomal recessive inheritance. Affected: yes. Observed: 1 homozygote. Functional consequence: effect on protein activity.
Comment: The variant was absent from databases including the GME Variome, Exome Variant Server (EVS) (ESP6500SI-V2), and International Genome Sample Resource (IGSR). in vitro functional studies demonstrated that the Gly59Ser variant does not affect leptin production, leptin secretion, or leptin receptor binding, but does impair leptin receptor activation. The leptin Gly59Ser variant triggers negligible signaling engaging the leptin receptor and behaves as a competitive antagonist in the presence of non-variant leptin. According to ACMG standards and guidelines (PMID: 25741868), the Gly59Ser variant can be classified as pathogenic (PS3/PM1/PM2/PP2/PP3/PP4). Diagnostic investigations excluded Prader-Willi and Bardet-Biedl syndromes. Of note, this variant was listed in gnomAD (v2.1.1) as previously detected in the heterozygous state in a single non-Finnish European.

OMIM
Classification: Pathogenic for LEPTIN DYSFUNCTION. Last evaluated: 2023-07-14. Review status: no assertion criteria provided. Collection method: literature only. Allele origin: germline. Not counted in ClinVar's aggregate classification.

Literature cited by the submitters: PubMed 37314706 (cited by OMIM).